The following is an entry in ClinVar:

NM_005902.4(SMAD3):c.400+3A>G

Gene: SMAD3 (SMAD family member 3; plus strand). Cytogenetic location: 15q22.33.
Variant type: single nucleotide variant.
Coding change: c.400+3A>G on transcript NM_005902.4 (MANE Select); 3 bases into the intron after coding-DNA position 400, A replaced by G.
Molecular consequence: intron variant.
Genome position (GRCh38, 1-based): chr15:67,165,091, A>G. VCF-style: chr15-67165091-A-G. GRCh37 (hg19) VCF-style: chr15-67457429-A-G.
Other names: c.400+3A>G (NM_001407011.1, NM_001407013.1, NM_001407012.1); c.253+3A>G (NM_001407014.1); c.85+3A>G (NM_001145102.2, NM_001407015.1, NM_001407016.1); c.268+3A>G (NM_001145103.2).
Identifiers: ClinVar variation 4635567 (VCV004635567.3).

ClinVar aggregate classification (germline): Uncertain significance. Review status: criteria provided, multiple submitters, no conflicts (2 of 4 stars). 2 submissions from 2 submitters: Uncertain significance (2). Last evaluated 2026-02-06.

Conditions:
Familial thoracic aortic aneurysm and aortic dissection (TAAD). Also called: Thoracic aortic aneurysms and dissections. Identifiers: Orphanet 91387, MedGen C4707243, MONDO:0019625.

gnomAD v4.1: 1 of 1,614,132 alleles (0.000062%); highest among the groups gnomAD compares: South Asian, 0.0011%; no homozygotes.

Submissions (2):

Ambry Genetics
Classification: Uncertain significance for Familial thoracic aortic aneurysm and aortic dissection. Last evaluated: 2026-02-06. Review status: criteria provided, single submitter. Criteria: Ambry Variant Classification Scheme 2023. Collection method: clinical testing. Allele origin: germline.
Comment: The c.400+3A>G intronic variant results from an A to G substitution 3 nucleotides after coding exon 2 in the SMAD3 gene. This variant was reported in individual(s) with features consistent with SMAD3-related Loeys-Dietz syndrome (Ambry internal data). This nucleotide position is not well conserved in available vertebrate species. RNA studies have demonstrated that this variant results in a splice defect; the clinical impact of this abnormal splicing is unknown at this time (Ambry internal data). Based on the available evidence, the clinical significance of this variant remains unclear.

Labcorp Genetics (formerly Invitae), Labcorp
Classification: Uncertain significance for Familial thoracic aortic aneurysm and aortic dissection. Last evaluated: 2025-06-27. Review status: criteria provided, single submitter. Criteria: Invitae Variant Classification Sherloc (09022015). Collection method: clinical testing. Allele origin: germline.
Comment: This sequence change falls in intron 2 of the SMAD3 gene. It does not directly change the encoded amino acid sequence of the SMAD3 protein. It affects a nucleotide within the consensus splice site. This variant is present in population databases (no rsID available, gnomAD 0.003%). This variant has not been reported in the literature in individuals affected with SMAD3-related conditions. Variants that disrupt the consensus splice site are a relatively common cause of aberrant splicing (PMID: 17576681, 9536098). Algorithms developed to predict the effect of sequence changes on RNA splicing suggest that this variant is not likely to affect RNA splicing. In summary, the available evidence is currently insufficient to determine the role of this variant in disease. Therefore, it has been classified as a Variant of Uncertain Significance.

Literature cited by the submitters: PubMed 17576681 (cited by Labcorp Genetics (formerly Invitae), Labcorp); PubMed 9536098 (cited by Labcorp Genetics (formerly Invitae), Labcorp).